The following is an entry in ClinVar:

ClinVar aggregate classification (germline): Uncertain significance. Review status: criteria provided, single submitter (1 of 4 stars). 2 submissions from 2 submitters: Uncertain significance (1). 1 of the submissions does not count toward it. Last evaluated 2026-01-07.

Conditions:
Primary ciliary dyskinesia. Also called: Ciliary dyskinesia. Identifiers: Orphanet 244, MedGen C0008780, MONDO:0016575, HP:0012265.

Submissions (2):

Women's Health and Genetics/Laboratory Corporation of America, LabCorp
Classification: Uncertain significance. Last evaluated: 2026-01-07. Review status: criteria provided, single submitter. Criteria: LabCorp Variant Classification Summary - May 2015. Collection method: clinical testing. Allele origin: germline.
Comment: Variant summary: DNAH5 c.11155A>C (p.Thr3719Pro) results in a non-conservative amino acid change in the encoded protein sequence. Algorithms developed to predict the effect of missense changes on protein structure and function are either unavailable or do not agree on the potential impact of this missense change. The variant was absent in 251244 control chromosomes. The available data on variant occurrences in the general population are insufficient to allow any conclusion about variant significance. To our knowledge, no occurrence of c.11155A>C in individuals affected with DNAH5-related conditions and no experimental evidence demonstrating its impact on protein function have been reported. ClinVar contains an entry for this variant (Variation ID: 4066729). Based on the evidence outlined above, the variant was classified as uncertain significance.

Natera, Inc.
Classification: Uncertain significance for Primary ciliary dyskinesia. Last evaluated: 2025-03-13. Review status: no assertion criteria provided. Collection method: clinical testing. Allele origin: germline. Not counted in ClinVar's aggregate classification.

NM_001369.3(DNAH5):c.11155A>C (p.Thr3719Pro)

Gene: DNAH5 (dynein axonemal heavy chain 5; minus strand). Cytogenetic location: 5p15.2.
Variant type: single nucleotide variant.
Coding change: c.11155A>C on transcript NM_001369.3 (MANE Select); coding-DNA position 11155, A replaced by C.
Protein change: p.Thr3719Pro; replaces threonine 3719 with proline.
Molecular consequence: missense variant.
Genome position (GRCh38, 1-based): chr5:13,751,134, T>G on the plus strand (A>C on the coding strand, the complement: DNAH5 is on the minus strand). VCF-style: chr5-13751134-T-G. GRCh37 (hg19) VCF-style: chr5-13751243-T-G.
Other names: short protein forms T3719P.
Identifiers: ClinVar variation 4066729 (VCV004066729.2).